The following is an entry in ClinVar:

NM_004629.2(FANCG):c.1522G>A (p.Ala508Thr)

Gene: FANCG (FA complementation group G; minus strand). Cytogenetic location: 9p13.3.
Variant type: single nucleotide variant.
Coding change: c.1522G>A on transcript NM_004629.2 (MANE Select); coding-DNA position 1522, G replaced by A.
Protein change: p.Ala508Thr; replaces alanine 508 with threonine.
Molecular consequence: missense variant.
Genome position (GRCh38, 1-based): chr9:35,075,041, C>T on the plus strand (G>A on the coding strand, the complement: FANCG is on the minus strand). VCF-style: chr9-35075041-C-T. GRCh37 (hg19) VCF-style: chr9-35075038-C-T.
Other names: short protein forms A508T.
Identifiers: ClinVar variation 5036500 (VCV005036500.1).

ClinVar aggregate classification (germline): Uncertain significance (1 of 4 stars; one submission).

Conditions:
Inborn genetic diseases. Identifiers: MedGen C0950123, MeSH D030342.

Submission:

Ambry Genetics
Classification: Uncertain significance for Inborn genetic diseases. Last evaluated: 2026-07-05. Review status: criteria provided, single submitter. Criteria: Ambry Variant Classification Scheme 2023. Collection method: clinical testing. Allele origin: germline.
Comment: The p.A508T variant (also known as c.1522G>A), located in coding exon 12 of the FANCG gene, results from a G to A substitution at nucleotide position 1522. The alanine at codon 508 is replaced by threonine, an amino acid with similar properties. This amino acid position is conserved. In addition, this alteration is predicted to be tolerated by in silico analysis. Based on the available evidence, the clinical significance of this variant remains unclear.